The following is an entry in ClinVar:

ClinVar aggregate classification (germline): Uncertain significance (1 of 4 stars; one submission).

Submission:

Labcorp Genetics (formerly Invitae), Labcorp
Classification: Uncertain significance. Last evaluated: 2025-06-22. Review status: criteria provided, single submitter. Criteria: Invitae Variant Classification Sherloc (09022015). Collection method: clinical testing. Allele origin: germline.
Comment: This sequence change replaces valine, which is neutral and non-polar, with alanine, which is neutral and non-polar, at codon 2444 of the ITPR1 protein (p.Val2444Ala). This variant is not present in population databases (gnomAD no frequency). This variant has not been reported in the literature in individuals affected with ITPR1-related conditions. Invitae Evidence Modeling of protein sequence and biophysical properties (such as structural, functional, and spatial information, amino acid conservation, physicochemical variation, residue mobility, and thermodynamic stability) indicates that this missense variant is not expected to disrupt ITPR1 protein function with a negative predictive value of 95%. In summary, the available evidence is currently insufficient to determine the role of this variant in disease. Therefore, it has been classified as a Variant of Uncertain Significance.

NM_001378452.1(ITPR1):c.7520T>C (p.Val2507Ala)

Gene: ITPR1 (inositol 1,4,5-trisphosphate receptor type 1; plus strand). Cytogenetic location: 3p26.1.
Variant type: single nucleotide variant.
Coding change: c.7520T>C on transcript NM_001378452.1 (MANE Select); coding-DNA position 7520, T replaced by C.
Protein change: p.Val2507Ala; replaces valine 2507 with alanine.
Molecular consequence: missense variant.
Genome position (GRCh38, 1-based): chr3:4,813,193, T>C. VCF-style: chr3-4813193-T-C. GRCh37 (hg19) VCF-style: chr3-4854877-T-C.
Other names: c.7376T>C, p.Val2459Ala (NM_001099952.4); c.7475T>C, p.Val2492Ala (NM_001168272.2); c.7331T>C, p.Val2444Ala (NM_002222.7); short protein forms V2459A, V2444A, V2507A, V2492A.
Identifiers: ClinVar variation 4775890 (VCV004775890.1).